The following is an entry in ClinVar:

NM_001171.6(ABCC6):c.2695C>A (p.Arg899Ser)

Gene: ABCC6 (ATP binding cassette subfamily C member 6; minus strand). Cytogenetic location: 16p13.11.
Variant type: single nucleotide variant.
Coding change: c.2695C>A on transcript NM_001171.6 (MANE Select); coding-DNA position 2695, C replaced by A.
Protein change: p.Arg899Ser; replaces arginine 899 with serine.
Molecular consequence: missense variant. On other transcripts: non-coding transcript variant (4).
Genome position (GRCh38, 1-based): chr16:16,173,376, G>T on the plus strand (C>A on the coding strand, the complement: ABCC6 is on the minus strand). VCF-style: chr16-16173376-G-T. GRCh37 (hg19) VCF-style: chr16-16267233-G-T.
Other names: c.2353C>A, p.Arg785Ser (NM_001351800.1); c.2662C>A, p.Arg888Ser (NM_001440309.1); c.2527C>A, p.Arg843Ser (NM_001440310.1); short protein forms R785S, R843S, R888S, R899S.
Identifiers: ClinVar variation 4802917 (VCV004802917.1).

ClinVar aggregate classification (germline): Uncertain significance (1 of 4 stars; one submission).

gnomAD v4.1: 2 of 1,614,060 alleles (0.00012%); highest among the groups gnomAD compares: Non-Finnish European, 0.00017%; no homozygotes.

Submission:

Labcorp Genetics (formerly Invitae), Labcorp
Classification: Uncertain significance. Last evaluated: 2025-09-03. Review status: criteria provided, single submitter. Criteria: Invitae Variant Classification Sherloc (09022015). Collection method: clinical testing. Allele origin: germline.
Comment: This sequence change replaces arginine, which is basic and polar, with serine, which is neutral and polar, at codon 899 of the ABCC6 protein (p.Arg899Ser). This variant is not present in population databases (gnomAD no frequency). This variant has not been reported in the literature in individuals affected with ABCC6-related conditions. Invitae Evidence Modeling of protein sequence and biophysical properties (such as structural, functional, and spatial information, amino acid conservation, physicochemical variation, residue mobility, and thermodynamic stability) indicates that this missense variant is not expected to disrupt ABCC6 protein function with a negative predictive value of 95%. In summary, the available evidence is currently insufficient to determine the role of this variant in disease. Therefore, it has been classified as a Variant of Uncertain Significance.